The following is an entry in ClinVar:

NM_139076.3(ABRAXAS1):c.200G>A (p.Cys67Tyr)

Gene: ABRAXAS1 (abraxas 1, BRCA1 A complex subunit; minus strand). Cytogenetic location: 4q21.23.
Variant type: single nucleotide variant.
Coding change: c.200G>A on transcript NM_139076.3 (MANE Select); coding-DNA position 200, G replaced by A.
Protein change: p.Cys67Tyr; replaces cysteine 67 with tyrosine.
Molecular consequence: missense variant. On other transcripts: 5 prime UTR variant (1).
Genome position (GRCh38, 1-based): chr4:83,476,658, C>T on the plus strand (G>A on the coding strand, the complement: ABRAXAS1 is on the minus strand). VCF-style: chr4-83476658-C-T. GRCh37 (hg19) VCF-style: chr4-84397811-C-T.
Other names: c.-61G>A (NM_001345962.2); short protein forms C67Y.
Identifiers: ClinVar variation 3229142 (VCV003229142.1), dbSNP rs2529452280, ClinGen allele CA357261534.

ClinVar aggregate classification (germline): Uncertain significance (1 of 4 stars; one submission).

Submission:

Ambry Genetics
Classification: Uncertain significance. Last evaluated: 2023-10-22. Review status: criteria provided, single submitter. Criteria: Ambry Variant Classification Scheme 2023. Collection method: clinical testing. Allele origin: germline.
Comment: The p.C67Y variant (also known as c.200G>A), located in coding exon 3 of the FAM175A gene, results from a G to A substitution at nucleotide position 200. The cysteine at codon 67 is replaced by tyrosine, an amino acid with highly dissimilar properties. This amino acid position is conserved. In addition, this alteration is predicted to be deleterious by in silico analysis. Since supporting evidence is limited at this time, the clinical significance of this alteration remains unclear.